The following is an entry in ClinVar:

ClinVar aggregate classification (germline): Uncertain significance (1 of 4 stars; one submission).

Conditions:
Familial melanoma. Also called: Hereditary melanoma; Hereditary cutaneous melanoma. Identifiers: Orphanet 618, MedGen C1512419, MONDO:0018961.

Submission:

Labcorp Genetics (formerly Invitae), Labcorp
Classification: Uncertain significance for Familial melanoma. Last evaluated: 2020-01-21. Review status: criteria provided, single submitter. Criteria: Invitae Variant Classification Sherloc (09022015). Collection method: clinical testing. Allele origin: germline.
Comment: In summary, the available evidence is currently insufficient to determine the role of this variant in disease. Therefore, it has been classified as a Variant of Uncertain Significance. Algorithms developed to predict the effect of sequence changes on RNA splicing suggest that this variant may create or strengthen a splice site, but this prediction has not been confirmed by published transcriptional studies. Algorithms developed to predict the effect of missense changes on protein structure and function are either unavailable or do not agree on the potential impact of this missense change (SIFT: "Deleterious"; PolyPhen-2: "Benign"; Align-GVGD: "Class C0"). This variant has not been reported in the literature in individuals with CDK4-related conditions. This variant is not present in population databases (ExAC no frequency). This sequence change replaces alanine with threonine at codon 58 of the CDK4 protein (p.Ala58Thr). The alanine residue is moderately conserved and there is a small physicochemical difference between alanine and threonine.

NM_000075.4(CDK4):c.172G>A (p.Ala58Thr)

Genes: CDK4 (cyclin dependent kinase 4; minus strand), LOC130008148 (ATAC-STARR-seq lymphoblastoid silent region 4588; plus strand). Cytogenetic location: 12q14.1.
Variant type: single nucleotide variant.
Coding change: c.172G>A on transcript NM_000075.4 (MANE Select); coding-DNA position 172, G replaced by A.
Protein change: p.Ala58Thr; replaces alanine 58 with threonine.
Molecular consequence: missense variant.
Genome position (GRCh38, 1-based): chr12:57,751,546, C>T on the plus strand (G>A on the coding strand, the complement: CDK4 is on the minus strand). VCF-style: chr12-57751546-C-T. GRCh37 (hg19) VCF-style: chr12-58145329-C-T.
Other names: short protein forms A58T.
Identifiers: ClinVar variation 1019892 (VCV001019892.10), dbSNP rs1955237174, ClinGen allele CA385548596.